The following is an entry in ClinVar:

ClinVar aggregate classification (germline): Uncertain significance (1 of 4 stars; one submission).

Allele frequency attached by ClinVar (database versions not stated): gnomAD 0.00001.
gnomAD v4.1: 1 of 1,613,418 alleles (0.000062%); highest among the groups gnomAD compares: African/African-American, 0.0013%; no homozygotes.

Submission:

Labcorp Genetics (formerly Invitae), Labcorp
Classification: Uncertain significance. Last evaluated: 2022-09-07. Review status: criteria provided, single submitter. Criteria: Invitae Variant Classification Sherloc (09022015). Collection method: clinical testing. Allele origin: germline.
Comment: In summary, the available evidence is currently insufficient to determine the role of this variant in disease. Therefore, it has been classified as a Variant of Uncertain Significance. Algorithms developed to predict the effect of missense changes on protein structure and function are either unavailable or do not agree on the potential impact of this missense change (SIFT: "Tolerated"; PolyPhen-2: "Not Available"; Align-GVGD: "Class C0"). ClinVar contains an entry for this variant (Variation ID: 1490738). This variant has not been reported in the literature in individuals affected with PCLO-related conditions. This variant is present in population databases (no rsID available, gnomAD 0.01%). This sequence change replaces methionine, which is neutral and non-polar, with arginine, which is basic and polar, at codon 3430 of the PCLO protein (p.Met3430Arg).

NM_033026.6(PCLO):c.10289T>G (p.Met3430Arg)

Gene: PCLO (piccolo presynaptic cytomatrix protein; minus strand). Cytogenetic location: 7q21.11.
Variant type: single nucleotide variant.
Coding change: c.10289T>G on transcript NM_033026.6 (MANE Select); coding-DNA position 10289, T replaced by G.
Protein change: p.Met3430Arg; replaces methionine 3430 with arginine.
Molecular consequence: missense variant.
Genome position (GRCh38, 1-based): chr7:82,950,299, A>C on the plus strand (T>G on the coding strand, the complement: PCLO is on the minus strand). VCF-style: chr7-82950299-A-C. GRCh37 (hg19) VCF-style: chr7-82579615-A-C.
Other names: c.10289T>G, p.Met3430Arg (NM_014510.3); short protein forms M3430R.
Identifiers: ClinVar variation 1490738 (VCV001490738.7), dbSNP rs1344905336, ClinGen allele CA367904586.